The following is an entry in ClinVar:

NM_001267727.2(ARSG):c.1326del (p.Ser443fs)

Genes: ARSG (arylsulfatase G; plus strand), PRKAR1A (protein kinase cAMP-dependent type I regulatory subunit alpha; plus strand). Cytogenetic location: 17q24.2.
Variant type: Deletion.
Coding change: c.1326del on transcript NM_001267727.2 (MANE Select); coding-DNA position 1326, one base deleted (G; older notation c.1326delG).
Protein change: p.Ser443fs; shifts the reading frame from serine 443.
Molecular consequence: frameshift variant. On other transcripts: intron variant (3).
Genome position (GRCh38, 1-based): chr17:68,420,211, G deleted; the last of 3 consecutive G bases (chr17:68,420,209-68,420,211); deleting any one gives the same sequence. VCF-style (leftmost placement, unchanged base first): chr17-68420208-TG-T. GRCh37 (hg19) VCF-style: chr17-66416349-TG-T.
Other names: c.1326del, p.Ser443fs (NM_001352899.2, NM_001352900.2, NM_001352901.2 and 2 more transcripts); c.-7+6416del (NM_001278433.2); c.1303+18761del (NM_001352910.2); c.1255+18761del (NM_001352909.2); c.1323del, p.Ser442fs (NM_001352903.2, NM_001352904.2, NM_001352905.2 and 2 more transcripts); short protein forms S442fs, S443fs.
Identifiers: ClinVar variation 992583 (VCV000992583.16), dbSNP rs751461705, ClinGen allele CA8728565.

ClinVar aggregate classification (germline): Pathogenic/Likely pathogenic. Review status: criteria provided, multiple submitters, no conflicts (2 of 4 stars). 5 submissions from 5 submitters: Pathogenic (2); Likely pathogenic (1). 2 of the submissions do not count toward it. Last evaluated 2025-08-06.

Conditions:
ARSG-related disorder. Also called: ARSG-related condition.
Usher syndrome, type 4. Also called: USHER SYNDROME, TYPE IV. Identifiers: MedGen C4748364, MONDO:0029141, OMIM 618144.

Submissions (5):

Dasa
Classification: Pathogenic. Last evaluated: 2025-08-06. Review status: criteria provided, single submitter. Criteria: DASA Assertion Criteria. Collection method: clinical testing. Allele origin: germline.
Comment: NM_001267727.2(ARSG):c.1326del (p.Ser443Alafs*12) is a frameshift variant in ARSG predicted to alter the reading frame and introduce a premature termination codon and is predicted to result in an absent or altered protein product. Loss of function is an established disease mechanism for ARSG-associated disorders. This variant has been recurrently observed in individuals with ARSG-related disorders (PMID: 33300174; PMID: 35226187). Functional evidence supports an impact on the gene or gene product (PMID: 33300174; PMID: 35226187). Also, this variant is rare in population databases. Based on the currently available evidence, this variant is classified as pathogenic.

Blueprint Genetics
Classification: Likely pathogenic for ARSG-related disorders. Last evaluated: 2024-10-25. Review status: criteria provided, single submitter. Criteria: ACMG Guidelines, 2015. Collection method: clinical testing. Allele origin: germline. Affected: yes. Observed: 5 variant alleles.

Labcorp Genetics (formerly Invitae), Labcorp
Classification: Pathogenic. Last evaluated: 2024-05-06. Review status: criteria provided, single submitter. Criteria: Invitae Variant Classification Sherloc (09022015). Collection method: clinical testing. Allele origin: germline.
Comment: This sequence change creates a premature translational stop signal (p.Ser443Alafs*12) in the ARSG gene. While this is not anticipated to result in nonsense mediated decay, it is expected to disrupt the last 83 amino acid(s) of the ARSG protein. This variant is present in population databases (rs751461705, gnomAD 0.02%). This premature translational stop signal has been observed in individual(s) with clinical features of Usher syndrome (PMID: 33300174; Invitae). ClinVar contains an entry for this variant (Variation ID: 992583). Algorithms developed to predict the effect of variants on gene product structure and function are not available or were not evaluated for this variant. Experimental studies have shown that this premature translational stop signal affects ARSG function (PMID: 33300174). For these reasons, this variant has been classified as Pathogenic.

OMIM
Classification: Pathogenic for USHER SYNDROME, TYPE IV. Last evaluated: 2023-08-17. Review status: no assertion criteria provided. Collection method: literature only. Allele origin: germline. Not counted in ClinVar's aggregate classification.

Division of Genetic Medicine, Lausanne University Hospital
Classification: Pathogenic for Usher syndrome, type 4. Last evaluated: 2020-12-23. Review status: no assertion criteria provided. Collection method: clinical testing. Allele origin: unknown. Inheritance: Autosomal recessive inheritance. Affected: yes. Observed: 1 homozygote. Not counted in ClinVar's aggregate classification.

Literature cited by the submitters: PubMed 33300174 (cited by 3 submitters); PubMed 35226187 (cited by Dasa and OMIM); PubMed 36317447 (cited by OMIM).